The following is an entry in ClinVar:

NM_000093.5(COL5A1):c.4151G>T (p.Gly1384Val)

Gene: COL5A1 (collagen type V alpha 1 chain; plus strand). Cytogenetic location: 9q34.3.
Variant type: single nucleotide variant.
Coding change: c.4151G>T on transcript NM_000093.5 (MANE Select); coding-DNA position 4151, G replaced by T.
Protein change: p.Gly1384Val; replaces glycine 1384 with valine.
Molecular consequence: missense variant.
Genome position (GRCh38, 1-based): chr9:134,817,054, G>T. VCF-style: chr9-134817054-G-T. GRCh37 (hg19) VCF-style: chr9-137708900-G-T.
Other names: c.4151G>T, p.Gly1384Val (NM_001278074.1); short protein forms G1384V.
Identifiers: ClinVar variation 2577832 (VCV002577832.1), dbSNP rs2490841289, ClinGen allele CA375456716.

ClinVar aggregate classification (germline): Uncertain significance (1 of 4 stars; one submission).

Submission:

GeneDx
Classification: Uncertain significance. Last evaluated: 2023-08-22. Review status: criteria provided, single submitter. Criteria: GeneDx Variant Classification Process June 2021. Collection method: clinical testing. Allele origin: germline. Affected: yes.
Comment: Has not been previously published as pathogenic or benign to our knowledge; Not observed at significant frequency in large population cohorts (gnomAD); In silico analysis supports that this missense variant has a deleterious effect on protein structure/function; This variant is associated with the following publications: (PMID: 22696272)